The following is an entry in ClinVar:

NM_019024.3(HEATR5B):c.584G>T (p.Cys195Phe)

Gene: HEATR5B (HEAT repeat containing 5B; minus strand). Cytogenetic location: 2p22.2.
Variant type: single nucleotide variant.
Coding change: c.584G>T on transcript NM_019024.3 (MANE Select); coding-DNA position 584, G replaced by T.
Protein change: p.Cys195Phe; replaces cysteine 195 with phenylalanine.
Molecular consequence: missense variant.
Genome position (GRCh38, 1-based): chr2:37,075,498, C>A on the plus strand (G>T on the coding strand, the complement: HEATR5B is on the minus strand). VCF-style: chr2-37075498-C-A. GRCh37 (hg19) VCF-style: chr2-37302641-C-A.
Other names: short protein forms C195F.
Identifiers: ClinVar variation 4538219 (VCV004538219.1).

ClinVar aggregate classification (germline): Uncertain significance (1 of 4 stars; one submission).

gnomAD v4.1: 17 of 1,612,690 alleles (0.0011%); highest among the groups gnomAD compares: Middle Eastern, 0.016%; no homozygotes.

Submission:

Greenwood Genetic Center Diagnostic Laboratories, Greenwood Genetic Center
Classification: Uncertain significance. Last evaluated: 2025-05-07. Review status: criteria provided, single submitter. Criteria: ACMG Guidelines, 2015. Collection method: clinical testing. Allele origin: germline. Affected: yes.
Comment: Gene of Uncertain Significance